The following is an entry in ClinVar:

NM_001814.6(CTSC):c.340G>C (p.Val114Leu)

Gene: CTSC (cathepsin C; minus strand). Cytogenetic location: 11q14.2.
Variant type: single nucleotide variant.
Coding change: c.340G>C on transcript NM_001814.6 (MANE Select); coding-DNA position 340, G replaced by C.
Protein change: p.Val114Leu; replaces valine 114 with leucine.
Molecular consequence: missense variant.
Genome position (GRCh38, 1-based): chr11:88,312,533, C>G on the plus strand (G>C on the coding strand, the complement: CTSC is on the minus strand). VCF-style: chr11-88312533-C-G. GRCh37 (hg19) VCF-style: chr11-88045701-C-G.
Other names: short protein forms V114L.
Identifiers: ClinVar variation 2092832 (VCV002092832.4), dbSNP rs749014522, ClinGen allele CA382026936.

ClinVar aggregate classification (germline): Uncertain significance (1 of 4 stars; one submission).

Conditions:
Periodontitis, aggressive. Identifiers: MedGen C0031106, MONDO:0980757.
Haim-Munk syndrome (HMS). Also called: COCHIN JEWISH DISORDER; KERATOSIS PALMOPLANTARIS WITH PERIODONTOPATHIA AND ONYCHOGRYPOSIS. Identifiers: Orphanet 2342, MedGen C1855627, MONDO:0009491, OMIM 245010.
Papillon-Lefèvre syndrome (PALS). Also called: KERATOSIS PALMOPLANTARIS WITH PERIODONTOPATHIA; Papillon-Lefevre Disease. Identifiers: Orphanet 678, MedGen C0030360, MONDO:0009490, OMIM 245000.

Submission:

Labcorp Genetics (formerly Invitae), Labcorp
Classification: Uncertain significance for Haim-Munk syndrome; Periodontitis, aggressive; Papillon-Lefèvre syndrome. Last evaluated: 2022-02-04. Review status: criteria provided, single submitter. Criteria: Invitae Variant Classification Sherloc (09022015). Collection method: clinical testing. Allele origin: germline.
Comment: This sequence change replaces valine, which is neutral and non-polar, with leucine, which is neutral and non-polar, at codon 114 of the CTSC protein (p.Val114Leu). This variant is not present in population databases (gnomAD no frequency). This variant has not been reported in the literature in individuals affected with CTSC-related conditions. Algorithms developed to predict the effect of missense changes on protein structure and function are either unavailable or do not agree on the potential impact of this missense change (SIFT: "Not Available"; PolyPhen-2: "Benign"; Align-GVGD: "Not Available"). In summary, the available evidence is currently insufficient to determine the role of this variant in disease. Therefore, it has been classified as a Variant of Uncertain Significance.